The following is an entry in ClinVar:

NM_015271.5(TRIM2):c.1346T>C (p.Ile449Thr)

Gene: TRIM2 (tripartite motif containing 2; plus strand). Cytogenetic location: 4q31.3.
Variant type: single nucleotide variant.
Coding change: c.1346T>C on transcript NM_015271.5 (MANE Select); coding-DNA position 1346, T replaced by C.
Protein change: p.Ile449Thr; replaces isoleucine 449 with threonine.
Molecular consequence: missense variant.
Genome position (GRCh38, 1-based): chr4:153,295,872, T>C. VCF-style: chr4-153295872-T-C. GRCh37 (hg19) VCF-style: chr4-154217024-T-C.
Other names: c.1265T>C, p.Ile422Thr (NM_001130067.2, NM_001351056.2, NM_001375512.1 and 5 more transcripts); c.1319T>C, p.Ile440Thr (NM_001351054.2); c.1316T>C, p.Ile439Thr (NM_001351055.2); c.890T>C, p.Ile297Thr (NM_001351057.2); c.1439T>C, p.Ile480Thr (NM_001375488.1); c.1436T>C, p.Ile479Thr (NM_001375489.1); c.1289T>C, p.Ile430Thr (NM_001375490.1); c.1286T>C, p.Ile429Thr (NM_001375491.1); and 3 more; short protein forms I440T, I297T, I336T, I337T, I422T, I480T, I429T, I449T.
Identifiers: ClinVar variation 1521922 (VCV001521922.6), dbSNP rs748092770, ClinGen allele CA358473520.

ClinVar aggregate classification (germline): Uncertain significance (1 of 4 stars; one submission).

Conditions:
Charcot-Marie-Tooth disease type 2R. Also called: CHARCOT-MARIE-TOOTH NEUROPATHY, TYPE 2R; CHARCOT-MARIE-TOOTH DISEASE, AXONAL, AUTOSOMAL RECESSIVE, TYPE 2R; Charcot-Marie-Tooth disease, axonal, type 2R. Identifiers: Orphanet 397968, MedGen C3809655, MONDO:0014208, OMIM 615490.

Submission:

Labcorp Genetics (formerly Invitae), Labcorp
Classification: Uncertain significance for Charcot-Marie-Tooth disease type 2R. Last evaluated: 2021-09-29. Review status: criteria provided, single submitter. Criteria: Invitae Variant Classification Sherloc (09022015). Collection method: clinical testing. Allele origin: germline.
Comment: In summary, the available evidence is currently insufficient to determine the role of this variant in disease. Therefore, it has been classified as a Variant of Uncertain Significance. This variant has not been reported in the literature in individuals affected with TRIM2-related conditions. Algorithms developed to predict the effect of missense changes on protein structure and function (SIFT, PolyPhen-2, Align-GVGD) all suggest that this variant is likely to be tolerated. This variant is not present in population databases (ExAC no frequency). This sequence change replaces isoleucine with threonine at codon 422 of the TRIM2 protein (p.Ile422Thr). The isoleucine residue is moderately conserved and there is a moderate physicochemical difference between isoleucine and threonine.